The following is an entry in ClinVar:

NM_020408.6(LYRM4):c.248T>C (p.Ile83Thr)

Genes: LYRM4 (LYR motif containing 4; minus strand), LYRM4-AS1 (LYRM4 antisense RNA 1; plus strand). Cytogenetic location: 6p25.1.
Variant type: single nucleotide variant.
Coding change: c.248T>C on transcript NM_020408.6 (MANE Select); coding-DNA position 248, T replaced by C.
Protein change: p.Ile83Thr; replaces isoleucine 83 with threonine.
Molecular consequence: missense variant. On other transcripts: 3 prime UTR variant (1), non-coding transcript variant (2), intron variant (1).
Genome position (GRCh38, 1-based): chr6:5,109,451, A>G on the plus strand (T>C on the coding strand, the complement: LYRM4 is on the minus strand). VCF-style: chr6-5109451-A-G. GRCh37 (hg19) VCF-style: chr6-5109685-A-G.
Other names: c.*82T>C (NM_001164841.3); c.208-40785T>C (NM_001318783.1); short protein forms I83T.
Identifiers: ClinVar variation 3635436 (VCV003635436.2).

ClinVar aggregate classification (germline): Uncertain significance (1 of 4 stars; one submission).

gnomAD v4.1: 2 of 1,614,002 alleles (0.00012%); highest among the groups gnomAD compares: African/African-American, 0.0027%; no homozygotes.

Submission:

Labcorp Genetics (formerly Invitae), Labcorp
Classification: Uncertain significance. Last evaluated: 2024-11-04. Review status: criteria provided, single submitter. Criteria: Invitae Variant Classification Sherloc (09022015). Collection method: clinical testing. Allele origin: germline.
Comment: This sequence change replaces isoleucine, which is neutral and non-polar, with threonine, which is neutral and polar, at codon 83 of the LYRM4 protein (p.Ile83Thr). This variant is present in population databases (rs778354805, gnomAD 0.007%). This variant has not been reported in the literature in individuals affected with LYRM4-related conditions. An algorithm developed to predict the effect of missense changes on protein structure and function (PolyPhen-2) suggests that this variant is likely to be disruptive. In summary, the available evidence is currently insufficient to determine the role of this variant in disease. Therefore, it has been classified as a Variant of Uncertain Significance.